The following is an entry in ClinVar:

ClinVar aggregate classification (germline): Uncertain significance (1 of 4 stars; one submission).

Conditions:
Catecholaminergic polymorphic ventricular tachycardia (CVPT). Also called: Catecholamine-induced polymorphic ventricular tachycardia. Identifiers: Orphanet 3286, MedGen C5574922, MONDO:0017990.

Allele frequency attached by ClinVar (database versions not stated): ExAC 0.00001.
gnomAD v4.1: 5 of 1,601,086 alleles (0.00031%); highest among the groups gnomAD compares: Non-Finnish European, 0.00043%; no homozygotes.

Submission:

All of Us Research Program, National Institutes of Health
Classification: Uncertain significance for Catecholaminergic polymorphic ventricular tachycardia. Last evaluated: 2023-05-16. Review status: criteria provided, single submitter. Criteria: ACMG Guidelines, 2015. Collection method: clinical testing. Allele origin: germline. Inheritance: Autosomal dominant inheritance. Observed: 1 variant allele, 1 heterozygote.
Comment: This missense variant replaces isoleucine with methionine at codon 3112 of the RYR2 protein. Computational prediction suggests that this variant may not impact protein structure and function (internally defined REVEL score threshold <= 0.5, PMID: 27666373). To our knowledge, functional studies have not been reported for this variant. This variant has not been reported in individuals affected with RYR2-related disorders in the literature. This variant has been identified in 1/241238 chromosomes in the general population by the Genome Aggregation Database (gnomAD). The available evidence is insufficient to determine the role of this variant in disease conclusively. Therefore, this variant is classified as a Variant of Uncertain Significance.

This study involves interpretation of variants in research participants for the purpose of population health screening. Participant phenotype was not available at the time of variant classification. Additional details can be found in publication PMID: 35346344, PMCID: PMC8962531

NM_001035.3(RYR2):c.9336T>G (p.Ile3112Met)

Gene: RYR2 (ryanodine receptor 2; plus strand). Cytogenetic location: 1q43.
Variant type: single nucleotide variant.
Coding change: c.9336T>G on transcript NM_001035.3 (MANE Select); coding-DNA position 9336, T replaced by G.
Protein change: p.Ile3112Met; replaces isoleucine 3112 with methionine.
Molecular consequence: missense variant.
Genome position (GRCh38, 1-based): chr1:237,700,436, T>G. VCF-style: chr1-237700436-T-G. GRCh37 (hg19) VCF-style: chr1-237863736-T-G.
Other names: short protein forms I3112M.
Identifiers: ClinVar variation 3071266 (VCV003071266.1), dbSNP rs748626622, ClinGen allele CA087860.
Genomic context (GRCh38, chr1:237,700,436, plus strand): 5'-GATTATCAATTACACCACAGTGGCCCTGCTGCCAATGCTGTCTTCATTATTTGAACATAT[T>G]GGCCAGCATCAGTTCGGAGAAGACCTAATATGTATGTAAATTTATATCTTGGAGTTTTTT-3'
Protein context (NP_001026.2, residues 3102-3122): LPMLSSLFEH[Ile3112Met]GQHQFGEDLI